The following is an entry in ClinVar:

ClinVar aggregate classification (germline): Uncertain significance (1 of 4 stars; one submission).

Submission:

GeneDx
Classification: Uncertain significance. Last evaluated: 2022-10-05. Review status: criteria provided, single submitter. Criteria: GeneDx Variant Classification Process June 2021. Collection method: clinical testing. Allele origin: germline. Affected: yes.
Comment: Not observed at significant frequency in large population cohorts (gnomAD); In silico analysis supports that this missense variant has a deleterious effect on protein structure/function; Has not been previously published as pathogenic or benign to our knowledge

NM_003491.4(NAA10):c.428A>T (p.Asp143Val)

Gene: NAA10 (N-alpha-acetyltransferase 10, NatA catalytic subunit; minus strand). Cytogenetic location: Xq28.
Variant type: single nucleotide variant.
Coding change: c.428A>T on transcript NM_003491.4 (MANE Select); coding-DNA position 428, A replaced by T.
Protein change: p.Asp143Val; replaces aspartic acid 143 with valine.
Molecular consequence: missense variant.
Genome position (GRCh38, 1-based): chrX:153,930,806, T>A on the plus strand (A>T on the coding strand, the complement: NAA10 is on the minus strand). VCF-style: chrX-153930806-T-A. GRCh37 (hg19) VCF-style: chrX-153196259-T-A.
Other names: c.383A>T, p.Asp128Val (NM_001256119.2); c.410A>T, p.Asp137Val (NM_001256120.2); short protein forms D128V, D137V, D143V.
Identifiers: ClinVar variation 2497935 (VCV002497935.1), dbSNP rs2521324512, ClinGen allele CA415157798.